The following is an entry in ClinVar:

NM_004655.4(AXIN2):c.1398C>A (p.Ser466=)

Gene: AXIN2 (axin 2; minus strand). Cytogenetic location: 17q24.1.
Variant type: single nucleotide variant.
Coding change: c.1398C>A on transcript NM_004655.4 (MANE Select); coding-DNA position 1398, C replaced by A.
Protein change: p.Ser466=; no amino-acid change (serine 466 retained).
Molecular consequence: synonymous variant.
Genome position (GRCh38, 1-based): chr17:65,537,638, G>T on the plus strand (C>A on the coding strand, the complement: AXIN2 is on the minus strand). VCF-style: chr17-65537638-G-T. GRCh37 (hg19) VCF-style: chr17-63533756-G-T.
Other names: c.1398C>A, p.Ser466= (NM_001363813.1).
Identifiers: ClinVar variation 1130906 (VCV001130906.10), dbSNP rs760282693, ClinGen allele CA501691172.

ClinVar aggregate classification (germline): Benign/Likely benign. Review status: criteria provided, multiple submitters, no conflicts (2 of 4 stars). 2 submissions from 2 submitters: Benign (1); Likely benign (1). Last evaluated 2024-07-03.

Conditions:
Oligodontia-cancer predisposition syndrome. Also called: TOOTH AGENESIS-COLORECTAL CANCER SYNDROME. Identifiers: Orphanet 300576, MedGen C1837750, MONDO:0012075, OMIM 608615. Disease mechanism: loss of function.

Submissions (2):

Myriad Genetics, Inc.
Classification: Benign for Oligodontia-cancer predisposition syndrome. Last evaluated: 2024-07-03. Review status: criteria provided, single submitter. Criteria: Myriad Autosomal Dominant, Autosomal Recessive and X-Linked Classification Criteria (2023). Collection method: clinical testing. Allele origin: unknown.
Comment: This variant is considered benign. This variant is a silent/synonymous amino acid change and it is not expected to impact splicing.

Labcorp Genetics (formerly Invitae), Labcorp
Classification: Likely benign for Oligodontia-cancer predisposition syndrome. Last evaluated: 2022-04-19. Review status: criteria provided, single submitter. Criteria: Invitae Variant Classification Sherloc (09022015). Collection method: clinical testing. Allele origin: germline.